The following is an entry in ClinVar:

NM_001371986.1(UNC80):c.1243T>C (p.Ser415Pro)

Gene: UNC80 (unc-80 homolog, NALCN channel complex subunit; plus strand). Cytogenetic location: 2q34.
Variant type: single nucleotide variant.
Coding change: c.1243T>C on transcript NM_001371986.1 (MANE Select); coding-DNA position 1243, T replaced by C.
Protein change: p.Ser415Pro; replaces serine 415 with proline.
Molecular consequence: missense variant.
Genome position (GRCh38, 1-based): chr2:209,815,299, T>C. VCF-style: chr2-209815299-T-C. GRCh37 (hg19) VCF-style: chr2-210680023-T-C.
Other names: c.1243T>C, p.Ser415Pro (NM_032504.2, NM_182587.4); short protein forms S415P.
Identifiers: ClinVar variation 1979976 (VCV001979976.1), dbSNP rs1413790379, ClinGen allele CA350134168.
Genomic context (GRCh38, chr2:209,815,299, plus strand): 5'-CTGTCTACCTTTATTAAGGATCTCACCATGAAGTGTAACGAGGAGGAAAAATCTCTTAGC[T>C]CTGAGGCCTTTTCCAAGGTTTCACTGACCAATCTGCGTAGATCTGCAGTCCCAGATCTTT-3'
Protein context (NP_001358915.1, residues 405-425): KCNEEEKSLS[Ser415Pro]EAFSKVSLTN

ClinVar aggregate classification (germline): Uncertain significance (1 of 4 stars; one submission).

Allele frequency attached by ClinVar (database versions not stated): gnomAD exomes 0.00001; TOPMed 0.00001.
gnomAD v4.1: 9 of 1,551,676 alleles (0.00058%); highest among the groups gnomAD compares: Non-Finnish European, 0.00078%; no homozygotes.

Submission:

Labcorp Genetics (formerly Invitae), Labcorp
Classification: Uncertain significance. Last evaluated: 2022-04-22. Review status: criteria provided, single submitter. Criteria: Invitae Variant Classification Sherloc (09022015). Collection method: clinical testing. Allele origin: germline.
Comment: This sequence change replaces serine, which is neutral and polar, with proline, which is neutral and non-polar, at codon 415 of the UNC80 protein (p.Ser415Pro). This variant is present in population databases (no rsID available, gnomAD 0.003%). This variant has not been reported in the literature in individuals affected with UNC80-related conditions. Algorithms developed to predict the effect of missense changes on protein structure and function output the following: SIFT: "Not Available"; PolyPhen-2: "Benign"; Align-GVGD: "Not Available". The proline amino acid residue is found in multiple mammalian species, which suggests that this missense change does not adversely affect protein function. In summary, the available evidence is currently insufficient to determine the role of this variant in disease. Therefore, it has been classified as a Variant of Uncertain Significance.